The following is an entry in ClinVar:

ClinVar aggregate classification (germline): Uncertain significance (1 of 4 stars; one submission).

Conditions:
Hereditary cancer-predisposing syndrome. Also called: Tumor predisposition; Neoplastic Syndromes, Hereditary; Hereditary neoplastic syndrome; Hereditary Cancer Syndrome. Identifiers: Orphanet 140162, MedGen C0027672, MeSH D009386, MONDO:0015356.

Submission:

Ambry Genetics
Classification: Uncertain significance for Hereditary cancer-predisposing syndrome. Last evaluated: 2025-06-26. Review status: criteria provided, single submitter. Criteria: Ambry Variant Classification Scheme 2023. Collection method: clinical testing. Allele origin: germline.
Comment: The p.D491N variant (also known as c.1471G>A), located in coding exon 12 of the MRE11A gene, results from a G to A substitution at nucleotide position 1471. The aspartic acid at codon 491 is replaced by asparagine, an amino acid with highly similar properties. This amino acid position is conserved. In addition, this alteration is predicted to be tolerated by in silico analysis. Based on the available evidence, the clinical significance of this variant remains unclear.

NM_005591.4(MRE11):c.1471G>A (p.Asp491Asn)

Gene: MRE11 (MRE11 double strand break repair nuclease; minus strand). Cytogenetic location: 11q21.
Variant type: single nucleotide variant.
Coding change: c.1471G>A on transcript NM_005591.4 (MANE Select); coding-DNA position 1471, G replaced by A.
Protein change: p.Asp491Asn; replaces aspartic acid 491 with asparagine.
Molecular consequence: missense variant.
Genome position (GRCh38, 1-based): chr11:94,459,437, C>T on the plus strand (G>A on the coding strand, the complement: MRE11 is on the minus strand). VCF-style: chr11-94459437-C-T. GRCh37 (hg19) VCF-style: chr11-94192603-C-T.
Other names: c.1471G>A, p.Asp491Asn (NM_001440480.1, NM_001440481.1, NM_005590.4 and 15 more transcripts); c.1126G>A, p.Asp376Asn (NM_001440482.1, NM_001440483.1, NM_001440484.1); c.1003G>A, p.Asp335Asn (NM_001440485.1, NM_001440486.1, NM_001440487.1); c.1396G>A, p.Asp466Asn (NM_001440471.1, NM_001440472.1, NM_001440479.1); c.1390G>A, p.Asp464Asn (NM_001440473.1, NM_001440477.1, NM_001440478.1); short protein forms D335N, D376N, D464N, D491N, D466N.
Identifiers: ClinVar variation 4110074 (VCV004110074.1).
Genomic context (GRCh38, chr11:94,459,437, plus strand): 5'-ATAGACCTAGACACTCAAATTAGTTACTTACCTCCTCATCGATTTTGTCTTCGAGGGCAT[C>T]AATATGACGTTCTTTAAGAAATCGCTGTGTTTTTTCCAACTGGTATTTCACTAATTCCTC-3'
Protein context (NP_005582.1, residues 481-501): TQRFLKERHI[Asp491Asn]ALEDKIDEEV